The following is an entry in ClinVar:

NM_000059.4(BRCA2):c.-39-1delinsAA

Gene: BRCA2 (BRCA2 DNA repair associated; plus strand). Cytogenetic location: 13q13.1.
Variant type: Indel.
Coding change: c.-39-1delinsAA on transcript NM_000059.4 (MANE Select); the canonical splice acceptor site of the intron before 39 bases upstream of the start codon, G replaced by AA.
Molecular consequence: splice acceptor variant. On other transcripts: intron variant (1).
Genome position (GRCh38, 1-based): chr13:32,316,421, G replaced by AA. VCF-style: chr13-32316421-G-AA. GRCh37 (hg19) VCF-style: chr13-32890558-G-AA.
Other names: c.-39-1delinsAA (NM_001406720.1, NM_001406719.1, NM_001406721.1); c.-303+754delinsAA (NM_001406722.1).
Identifiers: ClinVar variation 2583851 (VCV002583851.2), dbSNP rs2548509584, ClinGen allele CA2582341818.

ClinVar aggregate classification (germline): Likely pathogenic (1 of 4 stars; one submission).

Conditions:
Breast-ovarian cancer, familial, susceptibility to, 2 (BROVCA2). Also called: BRCA2 Hereditary Breast and Ovarian Cancer. Identifiers: Orphanet 145, MedGen C2675520, MONDO:0012933, OMIM 612555. Disease mechanism: loss of function.

Submission:

Myriad Genetics, Inc.
Classification: Likely pathogenic for Breast-ovarian cancer, familial, susceptibility to, 2. Last evaluated: 2023-06-21. Review status: criteria provided, single submitter. Criteria: Myriad Autosomal Dominant, Autosomal Recessive and X-Linked Classification Criteria (2023). Collection method: clinical testing. Allele origin: unknown.
Comment: This variant is considered likely pathogenic. This variant occurs within a consensus splice junction and is predicted to result in abnormal mRNA splicing of either an out-of-frame exon or an in-frame exon necessary for protein stability and/or normal function.